The following is an entry in ClinVar:

NM_144687.4(NLRP12):c.843G>C (p.Glu281Asp)

Gene: NLRP12 (NLR family pyrin domain containing 12; minus strand). Cytogenetic location: 19q13.42.
Variant type: single nucleotide variant.
Coding change: c.843G>C on transcript NM_144687.4 (MANE Select); coding-DNA position 843, G replaced by C.
Protein change: p.Glu281Asp; replaces glutamic acid 281 with aspartic acid.
Molecular consequence: missense variant.
Genome position (GRCh38, 1-based): chr19:53,810,816, C>G on the plus strand (G>C on the coding strand, the complement: NLRP12 is on the minus strand). VCF-style: chr19-53810816-C-G. GRCh37 (hg19) VCF-style: chr19-54314070-C-G.
Other names: c.843G>C, p.Glu281Asp (NM_001277126.2, NM_001277129.1); short protein forms E281D.
Identifiers: ClinVar variation 1005116 (VCV001005116.8), dbSNP rs2092058829, ClinGen allele CA407415676.
Genomic context (GRCh38, chr19:53,810,816, plus strand): 5'-AGGCTTGAGCTCATCGAAGCCGTCGATGATGAAAAGGAGGCGCTCGGGAACTCGGATGAG[C>G]TCCTGGAGAGGCGCGCTGGGCTCAGGCCAGCAGCTGAAGATGAGGTCTTGCATGCTGCAT-3'
Protein context (NP_653288.1, residues 271-291): CWPEPSAPLQ[Glu281Asp]LIRVPERLLF

ClinVar aggregate classification (germline): Uncertain significance (1 of 4 stars; one submission).

Conditions:
Familial cold autoinflammatory syndrome 2 (FCAS2). Identifiers: Orphanet 247868, MedGen C2673198, MONDO:0012724, OMIM 611762.

Submission:

Labcorp Genetics (formerly Invitae), Labcorp
Classification: Uncertain significance for Familial cold autoinflammatory syndrome 2. Last evaluated: 2020-10-16. Review status: criteria provided, single submitter. Criteria: Invitae Variant Classification Sherloc (09022015). Collection method: clinical testing. Allele origin: germline.
Comment: This sequence change replaces glutamic acid with aspartic acid at codon 281 of the NLRP12 protein (p.Glu281Asp). The glutamic acid residue is highly conserved and there is a small physicochemical difference between glutamic acid and aspartic acid. This variant is not present in population databases (ExAC no frequency). This variant has not been reported in the literature in individuals with NLRP12-related conditions. Algorithms developed to predict the effect of missense changes on protein structure and function output the following: SIFT: "Tolerated"; PolyPhen-2: "Benign"; Align-GVGD: "Class C0". The aspartic acid amino acid residue is found in multiple mammalian species, suggesting that this missense change does not adversely affect protein function. These predictions have not been confirmed by published functional studies and their clinical significance is uncertain. In summary, the available evidence is currently insufficient to determine the role of this variant in disease. Therefore, it has been classified as a Variant of Uncertain Significance.